The following is an entry in ClinVar:

ClinVar aggregate classification (germline): Uncertain significance (1 of 4 stars; one submission).

Allele frequency attached by ClinVar (database versions not stated): gnomAD exomes below 0.00001.

Submission:

Labcorp Genetics (formerly Invitae), Labcorp
Classification: Uncertain significance. Last evaluated: 2022-02-04. Review status: criteria provided, single submitter. Criteria: Invitae Variant Classification Sherloc (09022015). Collection method: clinical testing. Allele origin: germline.
Comment: In summary, the available evidence is currently insufficient to determine the role of this variant in disease. Therefore, it has been classified as a Variant of Uncertain Significance. Algorithms developed to predict the effect of missense changes on protein structure and function (SIFT, PolyPhen-2, Align-GVGD) all suggest that this variant is likely to be tolerated. This variant has not been reported in the literature in individuals affected with RORB-related conditions. This variant is not present in population databases (gnomAD no frequency). This sequence change replaces glutamine, which is neutral and polar, with lysine, which is basic and polar, at codon 432 of the RORB protein (p.Gln432Lys).

NM_006914.4(RORB):c.1294C>A (p.Gln432Lys)

Genes: RORB (RAR related orphan receptor B; plus strand), LOC124310566 (Sharpr-MPRA regulatory region 9792; plus strand). Cytogenetic location: 9q21.13.
Variant type: single nucleotide variant.
Coding change: c.1294C>A on transcript NM_006914.4 (MANE Select); coding-DNA position 1294, C replaced by A.
Protein change: p.Gln432Lys; replaces glutamine 432 with lysine.
Molecular consequence: missense variant.
Genome position (GRCh38, 1-based): chr9:74,685,532, C>A. VCF-style: chr9-74685532-C-A. GRCh37 (hg19) VCF-style: chr9-77300448-C-A.
Other names: c.1327C>A, p.Gln443Lys (NM_001365023.1); short protein forms Q432K, Q443K.
Identifiers: ClinVar variation 1380412 (VCV001380412.6), dbSNP rs2118583537, ClinGen allele CA373772574.
Genomic context (GRCh38, chr9:74,685,532, plus strand): 5'-AAGATACCAACCATCACGGCAGTTTGCAACTTGCACGGGGAGAAGCTGCAGGTATTTAAG[C>A]AATCTCATCCAGAGATAGTGAATACACTGTTTCCTCCGTTATACAAGGAGCTCTTTAATC-3'
Protein context (NP_008845.2, residues 422-442): LHGEKLQVFK[Gln432Lys]SHPEIVNTLF